The following is an entry in ClinVar:

NM_005027.4(PIK3R2):c.1559+1G>T

Gene: PIK3R2 (phosphoinositide-3-kinase regulatory subunit 2; plus strand). Cytogenetic location: 19p13.11.
Variant type: single nucleotide variant.
Coding change: c.1559+1G>T on transcript NM_005027.4 (MANE Select); the canonical splice donor site of the intron after coding-DNA position 1559, G replaced by T.
Molecular consequence: splice donor variant.
Genome position (GRCh38, 1-based): chr19:18,166,303, G>T. VCF-style: chr19-18166303-G-T. GRCh37 (hg19) VCF-style: chr19-18277113-G-T.
Identifiers: ClinVar variation 3907865 (VCV003907865.1).

ClinVar aggregate classification (germline): Uncertain significance (1 of 4 stars; one submission).

gnomAD v4.1: 1 of 1,613,600 alleles (0.000062%); highest among the groups gnomAD compares: Non-Finnish European, 0.000085%; no homozygotes.

Submission:

GeneDx
Classification: Uncertain significance. Last evaluated: 2024-12-26. Review status: criteria provided, single submitter. Criteria: GeneDx Variant Classification Process June 2021. Collection method: clinical testing. Allele origin: germline. Affected: yes.
Comment: Not observed at significant frequency in large population cohorts (gnomAD); Canonical splice site variant in a gene or region of a gene for which loss of function is not a well-established mechanism of disease; Has not been previously published as pathogenic or benign to our knowledge